The following is an entry in ClinVar:

ClinVar aggregate classification (germline): Uncertain significance (1 of 4 stars; one submission).

Conditions:
Familial thoracic aortic aneurysm and aortic dissection (TAAD). Also called: Thoracic aortic aneurysms and dissections. Identifiers: Orphanet 91387, MedGen C4707243, MONDO:0019625.

Allele frequency attached by ClinVar (database versions not stated): ExAC 0.00001.
gnomAD v4.1: 1 of 1,613,922 alleles (0.000062%); highest among the groups gnomAD compares: South Asian, 0.0011%; no homozygotes.

Submission:

Color Diagnostics, LLC DBA Color Health
Classification: Uncertain significance for Familial thoracic aortic aneurysm and aortic dissection. Last evaluated: 2020-11-23. Review status: criteria provided, single submitter. Criteria: ACMG Guidelines, 2015. Collection method: clinical testing. Allele origin: germline.
Comment: This variant causes a C to A nucleotide substitution at the -15 position of intron 6 of the SMAD3 gene. Splice prediction tools and conservation analysis are inconclusive regarding the impact of this variant on RNA splicing. To our knowledge, functional studies have not been reported for this variant. This variant has not been reported in individuals affected with cardiovascular disorders in the literature. This variant has been identified in 1/251286 chromosomes in the general population by the Genome Aggregation Database (gnomAD). The available evidence is insufficient to determine the role of this variant in disease conclusively. Therefore, this variant is classified as a Variant of Uncertain Significance.

NM_005902.4(SMAD3):c.872-15C>A

Gene: SMAD3 (SMAD family member 3; plus strand). Cytogenetic location: 15q22.33.
Variant type: single nucleotide variant.
Coding change: c.872-15C>A on transcript NM_005902.4 (MANE Select); 15 bases into the intron before coding-DNA position 872, C replaced by A.
Molecular consequence: intron variant.
Genome position (GRCh38, 1-based): chr15:67,184,712, C>A. VCF-style: chr15-67184712-C-A. GRCh37 (hg19) VCF-style: chr15-67477050-C-A.
Other names: c.557-15C>A (NM_001145102.2); c.740-15C>A (NM_001145103.2); c.287-15C>A (NM_001145104.2).
Identifiers: ClinVar variation 1172462 (VCV001172462.2), dbSNP rs747102986, ClinGen allele CA062792.